The following is an entry in ClinVar:

NM_001277115.2(DNAH11):c.9755dup (p.Leu3252fs)

Gene: DNAH11 (dynein axonemal heavy chain 11; plus strand). Cytogenetic location: 7p15.3.
Variant type: Duplication.
Coding change: c.9755dup on transcript NM_001277115.2 (MANE Select); coding-DNA position 9755, one base duplicated (T; older notation c.9755dupT).
Protein change: p.Leu3252fs; shifts the reading frame from leucine 3252.
Molecular consequence: frameshift variant.
Genome position (GRCh38, 1-based): chr7:21,787,414, T duplicated; the last of 6 consecutive T bases (chr7:21,787,409-21,787,414); duplicating any one gives the same sequence. VCF-style (leftmost placement, unchanged base first): chr7-21787408-A-AT. GRCh37 (hg19) VCF-style: chr7-21827026-A-AT.
Other names: c.9776dup, p.Leu3259Phefs (NM_003777.3); short protein forms L3252fs.
Identifiers: ClinVar variation 3022312 (VCV003022312.3), dbSNP rs1472494326, ClinGen allele CA2740097320.

ClinVar aggregate classification (germline): Pathogenic (1 of 4 stars; one submission).

Conditions:
Primary ciliary dyskinesia. Also called: Ciliary dyskinesia. Identifiers: Orphanet 244, MedGen C0008780, MONDO:0016575, HP:0012265.

Submission:

Labcorp Genetics (formerly Invitae), Labcorp
Classification: Pathogenic for Primary ciliary dyskinesia. Last evaluated: 2023-08-31. Review status: criteria provided, single submitter. Criteria: Invitae Variant Classification Sherloc (09022015). Collection method: clinical testing. Allele origin: germline.
Comment: For these reasons, this variant has been classified as Pathogenic. This variant has not been reported in the literature in individuals affected with DNAH11-related conditions. This variant is not present in population databases (gnomAD no frequency). This sequence change creates a premature translational stop signal (p.Leu3252Phefs*6) in the DNAH11 gene. It is expected to result in an absent or disrupted protein product. Loss-of-function variants in DNAH11 are known to be pathogenic (PMID: 18022865, 20513915, 22184204).

Literature cited by the submitters: PubMed 18022865; PubMed 20513915; PubMed 22184204.